The following is an entry in ClinVar:

ClinVar aggregate classification (germline): Pathogenic/Likely pathogenic. Review status: criteria provided, multiple submitters, no conflicts (2 of 4 stars). 4 submissions from 4 submitters: Pathogenic (1); Likely pathogenic (2). 1 of the submissions does not count toward it. Last evaluated 2025-02-16.

Conditions:
Early-infantile DEE. Also called: Early infantile epileptic encephalopathy; Ohtahara syndrome; Early infantile epileptic encephalopathy with suppression bursts. Identifiers: Orphanet 1934, MedGen C0393706, MONDO:0800491.
Inborn genetic diseases. Identifiers: MedGen C0950123, MeSH D030342.
Seizures, benign familial neonatal, 1. Also called: KCNQ2-Related Benign Familial Neonatal Epilepsy; Benign Neonatal Epilepsy 1; KCNQ2-Related Self-Limited Familial Neonatal Epilepsy (SLFNE); Seizures, benign neonatal, 1. Identifiers: Orphanet 1949, MedGen C3149074, MONDO:0007365, OMIM 121200.

Submissions (4):

Laboratory of Genetics, Children's Clinical University Hospital Latvia
Classification: Likely pathogenic. Last evaluated: 2025-02-16. Review status: criteria provided, single submitter. Criteria: ACMG Guidelines, 2015. Collection method: clinical testing. Allele origin: germline. Affected: yes.

Labcorp Genetics (formerly Invitae), Labcorp
Classification: Pathogenic for Early-infantile DEE. Last evaluated: 2024-11-07. Review status: criteria provided, single submitter. Criteria: Invitae Variant Classification Sherloc (09022015). Collection method: clinical testing. Allele origin: germline.
Comment: This sequence change results in a frameshift in the KCNQ2 gene (p.Arg871Glyfs*61). While this is not anticipated to result in nonsense mediated decay, it is expected to disrupt the last 2 amino acid(s) of the KCNQ2 protein and extend the protein by 58 additional amino acid residues. This variant is not present in population databases (gnomAD no frequency). This frameshift has been observed in individuals with benign familial neonatal seizures (PMID: 14534157, 24375629). It has also been observed to segregate with disease in related individuals. Algorithms developed to predict the effect of variants on gene product structure and function are not available or were not evaluated for this variant. Experimental studies have shown that this frameshift affects KCNQ2 function (PMID: 14534157). For these reasons, this variant has been classified as Pathogenic.

Ambry Genetics
Classification: Likely pathogenic for Inborn genetic diseases. Last evaluated: 2016-04-14. Review status: criteria provided, single submitter. Criteria: Ambry Variant Classification Scheme 2023. Collection method: clinical testing. Allele origin: germline.
Comment: The c.2599_2603dupTGGGC variant, located in coding exon 17 of the KCNQ2 gene, results from a duplication of TGGGC at nucleotide positions 2599 to 2603. This duplication and subsequent frameshift occur near the 3' terminus of KCNQ2, is not expected to trigger nonsense mediated decay (NMD), and predicted to result in the elongation of the protein (p.R871Gfs*61). This alteration was first reported in a mother and daughter who had a diagnosis of benign familial neonatal epilepsy; while both had neonatal seizures, the daughter continued to have seizures outside of the neonatal period (Soldovieri MV et al. Hum Mutat. 2014; 35(3):356-67). Another study identified a different nucleotide change that results in the same protein change (referred to as 867ins) in a family with neonatal seizures; in vitro functional analysis indicated this alteration results in a dominant-negative affect and a >50% reduction in current magnitude (Singh NA et al. Brain. 2003; 126(Pt 12):2726-37). This variant was not reported in population based cohorts in the following databases: Database of Single Nucleotide Polymorphisms (dbSNP), NHLBI Exome Sequencing Project (ESP), 1000 Genomes Project, and ExAC. In the ESP, this variant was not observed in 6196 samples (12392 alleles) with coverage at this position. In addition to the clinical and functional data presented in the literature, since frameshifts are typically deleterious in nature, this alteration is interpreted as a variant is likely to be pathogenic (ACMG Standards and guidelines for the interpretation of sequence variants. Genet Med. 2015;17(5):405-24).

GeneReviews
No classification provided. Condition: Seizures, benign familial neonatal, 1. Review status: no classification provided. Collection method: literature only. Allele origin: germline. Affected: yes. Not counted in ClinVar's aggregate classification.
Comment: BFNE (benign familial neonatal epilepsy)

Literature cited by the submitters: PubMed 14534157 (cited by Labcorp Genetics (formerly Invitae), Labcorp and Ambry Genetics); PubMed 24375629 (cited by 3 submitters); NCBI Bookshelf NBK32534 (cited by GeneReviews).

NM_172107.4(KCNQ2):c.2599_2603dup (p.Arg871fs)

Gene: KCNQ2 (potassium voltage-gated channel subfamily Q member 2; minus strand). Cytogenetic location: 20q13.33.
Variant type: Microsatellite.
Coding change: c.2599_2603dup on transcript NM_172107.4 (MANE Select); coding-DNA positions 2599 to 2603, 5 bases duplicated (TGGGC; older notation c.2599_2603dupTGGGC).
Protein change: p.Arg871fs; shifts the reading frame from arginine 871.
Molecular consequence: frameshift variant.
Genome position (GRCh38, 1-based): chr20:63,406,660-63,406,664, GCCCA duplicated on the plus strand (TGGGC on the coding strand, the reverse complement: KCNQ2 is on the minus strand); duplicating any 5 consecutive bases within chr20:63,406,660-63,406,669 gives the same sequence; the c. name uses the placement nearest the transcript's 3' end. VCF-style (leftmost placement, unchanged base first): chr20-63406659-G-GGCCCA. GRCh37 (hg19) VCF-style: chr20-62038012-G-GGCCCA.
Other names: c.2653_2657dup, p.Arg889fs (NM_001382235.1); c.2515_2519dup, p.Arg843fs (NM_004518.6); c.2545_2549dup, p.Arg853fs (NM_172106.3); c.2506_2510dup, p.Arg840fs (NM_172108.5); short protein forms R843fs, R871fs, R840fs, R853fs, R889fs.
Identifiers: ClinVar variation 369815 (VCV000369815.16), dbSNP rs1555850151, ClinGen allele CA10654777.
Genomic context (GRCh38, chr20:63,406,659, plus strand): 5'-CGTGCTGAGGAGGGCCGCGGGCGGGTCCACTGGCCCAGCGCCGCCTCACTTCCTGGGCCC[G>GGCCCA]GCCCAGCCCACGTCACCAAAGGGACCCTCGCCGGTGGCCGAGCGTGGCGGGGGCCCGCAC-3'